The following is an entry in ClinVar:

ClinVar aggregate classification (germline): Uncertain significance (1 of 4 stars; one submission).

Conditions:
3-methylglutaconic aciduria with deafness, encephalopathy, and Leigh-like syndrome (MEGDEL). Also called: 3-METHYLGLUTACONIC ACIDURIA, TYPE VI; SERAC1 Deficiency; MEGDEL syndrome. Identifiers: Orphanet 352328, MedGen C4040739, MONDO:0013875, OMIM 614739.

Submission:

Labcorp Genetics (formerly Invitae), Labcorp
Classification: Uncertain significance for 3-methylglutaconic aciduria with deafness, encephalopathy, and Leigh-like syndrome. Last evaluated: 2025-04-02. Review status: criteria provided, single submitter. Criteria: Invitae Variant Classification Sherloc (09022015). Collection method: clinical testing. Allele origin: germline.
Comment: This sequence change replaces isoleucine, which is neutral and non-polar, with threonine, which is neutral and polar, at codon 126 of the SERAC1 protein (p.Ile126Thr). This variant is not present in population databases (gnomAD no frequency). This variant has not been reported in the literature in individuals affected with SERAC1-related conditions. Invitae Evidence Modeling of protein sequence and biophysical properties (such as structural, functional, and spatial information, amino acid conservation, physicochemical variation, residue mobility, and thermodynamic stability) indicates that this missense variant is not expected to disrupt SERAC1 protein function with a negative predictive value of 80%. In summary, the available evidence is currently insufficient to determine the role of this variant in disease. Therefore, it has been classified as a Variant of Uncertain Significance.

NM_032861.4(SERAC1):c.377T>C (p.Ile126Thr)

Gene: SERAC1 (serine active site containing 1; minus strand). Cytogenetic location: 6q25.3.
Variant type: single nucleotide variant.
Coding change: c.377T>C on transcript NM_032861.4 (MANE Select); coding-DNA position 377, T replaced by C.
Protein change: p.Ile126Thr; replaces isoleucine 126 with threonine.
Molecular consequence: missense variant. On other transcripts: non-coding transcript variant (1).
Genome position (GRCh38, 1-based): chr6:158,146,892, A>G on the plus strand (T>C on the coding strand, the complement: SERAC1 is on the minus strand). VCF-style: chr6-158146892-A-G. GRCh37 (hg19) VCF-style: chr6-158567924-A-G.
Other names: short protein forms I126T.
Identifiers: ClinVar variation 4764498 (VCV004764498.1).
Genomic context (GRCh38, chr6:158,146,892, plus strand): 5'-GTTTTGTCATCTGACTTGCTCTTCCGTAGGAGCAGCCACACAGCACACTCATGATCTTCT[A>G]TATCAACTGTACTAAAAGGATCTTTGCAAAAAGAAAAAGCCAAGACAATGTGAAAAGTTA-3'
Protein context (NP_116250.3, residues 116-136): PFADPFSTVD[Ile126Thr]EDHECAVWLL